The following is an entry in ClinVar:

NM_001267550.2(TTN):c.76854A>G (p.Val25618=)

Genes: TTN-AS1 (TTN antisense RNA 1; plus strand), TTN (titin; minus strand). Cytogenetic location: 2q31.2.
Variant type: single nucleotide variant.
Coding change: c.76854A>G on transcript NM_001267550.2 (MANE Select); coding-DNA position 76854, A replaced by G.
Protein change: p.Val25618=; no amino-acid change (valine 25618 retained).
Molecular consequence: synonymous variant.
Genome position (GRCh38, 1-based): chr2:178,569,278, T>C on the plus strand (A>G on the coding strand, the complement: TTN is on the minus strand). VCF-style: chr2-178569278-T-C. GRCh37 (hg19) VCF-style: chr2-179434005-T-C.
Other names: c.69150A>G, p.Val23050= (NM_133378.4); c.71931A>G, p.Val23977= (NM_001256850.1); c.49659A>G, p.Val16553= (NM_003319.4); c.50034A>G, p.Val16678= (NM_133432.3); c.50235A>G, p.Val16745= (NM_133437.4).
Identifiers: ClinVar variation 467497 (VCV000467497.50), dbSNP rs192902075, ClinGen allele CA1989853.

ClinVar aggregate classification (germline): Benign/Likely benign. Review status: criteria provided, multiple submitters, no conflicts (2 of 4 stars). 13 submissions from 10 submitters: Benign (5); Likely benign (6). 2 of the submissions do not count toward it. Last evaluated 2026-06-01.

Conditions:
Cardiovascular phenotype. Identifiers: MedGen CN230736.
Dilated cardiomyopathy 1G (CMD1G). Identifiers: Orphanet 154, MedGen C1858763, MONDO:0011400, OMIM 604145.
Autosomal recessive limb-girdle muscular dystrophy type 2J (LGMDR10). Also called: Limb-girdle muscular dystrophy, type 2J; MUSCULAR DYSTROPHY, LIMB-GIRDLE, AUTOSOMAL RECESSIVE 10. Identifiers: Orphanet 140922, MedGen C1837342, MONDO:0012127, OMIM 608807.
Cardiomyopathy (CMYO). Also called: Cardiomyopathies. Identifiers: Orphanet 167848, MedGen C0878544, MONDO:0004994, HP:0001638. Inheritance: Various modes of inheritance.
Early-onset myopathy with fatal cardiomyopathy (CMYO5). Also called: Salih Myopathy; CONGENITAL MYOPATHY 5 WITH CARDIOMYOPATHY. Identifiers: Orphanet 289377, MedGen C2673677, MONDO:0012714, OMIM 611705. Disease mechanism: loss of function.
Myopathy, myofibrillar, 9, with early respiratory failure (MFM9). Also called: Hereditary myopathy with early respiratory failure; MYOPATHY, PROXIMAL, WITH EARLY RESPIRATORY MUSCLE INVOLVEMENT; Myopathy, distal, with early respiratory failure, autosomal dominant; EDSTROM MYOPATHY. Identifiers: Orphanet 178464, Orphanet 34521, MedGen C1863599, MONDO:0011362, OMIM 603689.
TTN-related disorder. Also called: TTN-related disorders; TTN-related condition; TTN-related disease.
Tibial muscular dystrophy (TMD). Also called: UDD MYOPATHY; Tibial muscular dystrophy, tardive; Udd Distal Myopathy – Tibial Muscular Dystrophy. Identifiers: Orphanet 609, MedGen C1838244, MONDO:0010870, OMIM 600334.

Allele frequency attached by ClinVar (database versions not stated): gnomAD exomes 0.00004; ExAC 0.00007; gnomAD 0.00007; ESP Exome Variant Server 0.00008; TOPMed 0.00011; 1000 Genomes Project 30x 0.00031; 1000 Genomes Project 0.00040.
gnomAD v4.1: 81 of 1,609,612 alleles (0.005%); highest among the groups gnomAD compares: African/African-American, 0.063%; 1 homozygote.

Submissions (13):

CeGaT Center for Human Genetics Tuebingen
Classification: Likely benign. Last evaluated: 2026-06-01. Review status: criteria provided, single submitter. Criteria: CeGaT Center For Human Genetics Tuebingen Variant Classification Criteria Version 2. Collection method: clinical testing. Allele origin: germline. Affected: yes. Observed: 6 variant alleles.
Comment: TTN: BP4, BP7

Labcorp Genetics (formerly Invitae), Labcorp
Classification: Likely benign for Dilated cardiomyopathy 1G; Autosomal recessive limb-girdle muscular dystrophy type 2J. Last evaluated: 2026-01-05. Review status: criteria provided, single submitter. Criteria: Invitae Variant Classification Sherloc (09022015). Collection method: clinical testing. Allele origin: germline.

PreventionGenetics, part of Exact Sciences
Classification: Likely benign for TTN-related condition. Last evaluated: 2025-02-26. Review status: criteria provided, single submitter. Criteria: ACMG Guidelines, 2015. Collection method: clinical testing. Allele origin: germline.
Comment: This variant is classified as likely benign based on ACMG/AMP sequence variant interpretation guidelines (Richards et al. 2015 PMID: 25741868, with internal and published modifications).

Blueprint Genetics
Classification: Likely benign. Last evaluated: 2024-09-16. Review status: criteria provided, single submitter. Criteria: ACMG Guidelines, 2015. Collection method: clinical testing. Allele origin: germline.

Genome-Nilou Lab
Classification: Benign for Autosomal recessive limb-girdle muscular dystrophy type 2J. Last evaluated: 2021-09-10. Review status: criteria provided, single submitter. Criteria: ACMG Guidelines, 2015. Collection method: clinical testing. Allele origin: germline. Affected: no.

Genome-Nilou Lab
Classification: Benign for Myopathy, myofibrillar, 9, with early respiratory failure. Last evaluated: 2021-09-10. Review status: criteria provided, single submitter. Criteria: ACMG Guidelines, 2015. Collection method: clinical testing. Allele origin: germline. Affected: no.

Genome-Nilou Lab
Classification: Benign for Early-onset myopathy with fatal cardiomyopathy. Last evaluated: 2021-09-10. Review status: criteria provided, single submitter. Criteria: ACMG Guidelines, 2015. Collection method: clinical testing. Allele origin: germline. Affected: no.

Genome-Nilou Lab
Classification: Benign for Tibial muscular dystrophy. Last evaluated: 2021-09-10. Review status: criteria provided, single submitter. Criteria: ACMG Guidelines, 2015. Collection method: clinical testing. Allele origin: germline. Affected: no.

Ambry Genetics
Classification: Likely benign for Cardiovascular phenotype. Last evaluated: 2019-07-30. Review status: criteria provided, single submitter. Criteria: Ambry Variant Classification Scheme 2023. Collection method: clinical testing. Allele origin: germline.

CHEO Genetics Diagnostic Laboratory, Children's Hospital of Eastern Ontario
Classification: Benign for Cardiomyopathy. Last evaluated: 2017-11-17. Review status: criteria provided, single submitter. Criteria: ACMG Guidelines, 2015. Collection method: clinical testing. Allele origin: germline.

Laboratory for Molecular Medicine, Mass General Brigham Personalized Medicine
Classification: Likely benign. Last evaluated: 2017-06-01. Review status: criteria provided, single submitter. Criteria: LMM Criteria. Collection method: clinical testing. Allele origin: germline. Observed: 1 variant allele.
Comment: p.Val23050Val in exon 275 of TTN: This variant is not expected to have clinical significance because it does not alter an amino acid residue and is not located within the splice consensus sequence. It has been identified in 7/34164 Latino c hromosomes by the Genome Aggregation Database (gnomAD; dbSNP rs192902075).

Clinical Genetics DNA and cytogenetics Diagnostics Lab, Erasmus MC, Erasmus Medical Center
Classification: Likely benign. Review status: no assertion criteria provided. Collection method: clinical testing. Allele origin: germline. Affected: yes. Study: VKGL Data-share Consensus. Not counted in ClinVar's aggregate classification.

Diagnostic Laboratory, Department of Genetics, University Medical Center Groningen
Classification: Likely benign. Review status: no assertion criteria provided. Collection method: clinical testing. Allele origin: germline. Affected: yes. Study: VKGL Data-share Consensus. Not counted in ClinVar's aggregate classification.